The following is an entry in ClinVar:

NM_021267.5(CERS1):c.18_29dup (p.Pro10_Thr11insAlaAlaGlyPro)

Genes: CERS1 (ceramide synthase 1; minus strand), GDF1 (growth differentiation factor 1; minus strand). Cytogenetic location: 19p13.11.
Variant type: Duplication.
Coding change: c.18_29dup on transcript NM_021267.5 (MANE Select); coding-DNA positions 18 to 29, 12 bases duplicated (CGCGGCGGGGCC).
Protein change: p.Pro10_Thr11insAlaAlaGlyPro.
Molecular consequence: inframe insertion. On other transcripts: 5 prime UTR variant (4), intron variant (3).
Genome position (GRCh38, 1-based): chr19:18,896,044-18,896,055, GGCCCCGCCGCG duplicated on the plus strand (CGCGGCGGGGCC on the coding strand, the reverse complement: CERS1 is on the minus strand); duplicating any 12 consecutive bases within chr19:18,896,044-18,896,066 gives the same sequence; the c. name uses the placement nearest the transcript's 3' end. VCF-style (leftmost placement, unchanged base first): chr19-18896043-C-CGGCCCCGCCGCG. GRCh37 (hg19) VCF-style: chr19-19006852-C-CGGCCCCGCCGCG.
Other names: c.18_29dup, p.Pro10_Thr11insAlaAlaGlyPro (NM_001387439.1, NM_001387440.1, NM_001387441.1 and 1 more transcripts); c.-511_-500dup (NM_001387444.1); c.-458_-447dup (NM_001387445.1); c.-885_-874dup (NM_001387438.1); c.-1305_-1294dup (NM_001492.6); c.-46+671_-46+682dup (NM_001387443.1); c.-46+506_-46+517dup (NM_001387442.1, NM_001290265.2).
Identifiers: ClinVar variation 1017910 (VCV001017910.8), dbSNP rs1026938291, ClinGen allele CA306258919.

ClinVar aggregate classification (germline): Uncertain significance (1 of 4 stars; one submission).

Conditions:
Progressive myoclonic epilepsy type 8. Identifiers: Orphanet 424027, MedGen C5190825, MONDO:0014545, OMIM 616230.

Submission:

Labcorp Genetics (formerly Invitae), Labcorp
Classification: Uncertain significance for Progressive myoclonic epilepsy type 8. Last evaluated: 2023-04-05. Review status: criteria provided, single submitter. Criteria: Invitae Variant Classification Sherloc (09022015). Collection method: clinical testing. Allele origin: germline.
Comment: This variant has not been reported in the literature in individuals affected with CERS1-related conditions. In summary, the available evidence is currently insufficient to determine the role of this variant in disease. Therefore, it has been classified as a Variant of Uncertain Significance. Experimental studies and prediction algorithms are not available or were not evaluated, and the functional significance of this variant is currently unknown. ClinVar contains an entry for this variant (Variation ID: 1017910). This variant is present in population databases (no rsID available, gnomAD 0.06%). This variant, c.18_29dup, results in the insertion of 4 amino acid(s) of the CERS1 protein (p.Ala7_Pro10dup), but otherwise preserves the integrity of the reading frame.